The following is an entry in ClinVar:

NM_006231.4(POLE):c.4921A>G (p.Thr1641Ala)

Gene: POLE (DNA polymerase epsilon, catalytic subunit; minus strand). Cytogenetic location: 12q24.33.
Variant type: single nucleotide variant.
Coding change: c.4921A>G on transcript NM_006231.4 (MANE Select); coding-DNA position 4921, A replaced by G.
Protein change: p.Thr1641Ala; replaces threonine 1641 with alanine.
Molecular consequence: missense variant.
Genome position (GRCh38, 1-based): chr12:132,642,537, T>C on the plus strand (A>G on the coding strand, the complement: POLE is on the minus strand). VCF-style: chr12-132642537-T-C. GRCh37 (hg19) VCF-style: chr12-133219123-T-C.
Other names: short protein forms T1641A.
Identifiers: ClinVar variation 1439315 (VCV001439315.6), dbSNP rs778230854, ClinGen allele CA246303580.

ClinVar aggregate classification (germline): Uncertain significance (1 of 4 stars; one submission).

Allele frequency attached by ClinVar (database versions not stated): gnomAD exomes below 0.00001.
gnomAD v4.1: 1 of 1,613,298 alleles (0.000062%); highest among the groups gnomAD compares: Admixed American, 0.0017%; no homozygotes.

Submission:

Labcorp Genetics (formerly Invitae), Labcorp
Classification: Uncertain significance. Last evaluated: 2025-02-11. Review status: criteria provided, single submitter. Criteria: Invitae Variant Classification Sherloc (09022015). Collection method: clinical testing. Allele origin: germline.
Comment: This sequence change replaces threonine, which is neutral and polar, with alanine, which is neutral and non-polar, at codon 1641 of the POLE protein (p.Thr1641Ala). This variant is present in population databases (no rsID available, gnomAD 0.003%). This variant has not been reported in the literature in individuals affected with POLE-related conditions. ClinVar contains an entry for this variant (Variation ID: 1439315). Invitae Evidence Modeling of protein sequence and biophysical properties (such as structural, functional, and spatial information, amino acid conservation, physicochemical variation, residue mobility, and thermodynamic stability) indicates that this missense variant is not expected to disrupt POLE protein function with a negative predictive value of 80%. In summary, the available evidence is currently insufficient to determine the role of this variant in disease. Therefore, it has been classified as a Variant of Uncertain Significance.